The following is an entry in ClinVar:

NM_000512.5(GALNS):c.422+1G>T

Gene: GALNS (galactosamine (N-acetyl)-6-sulfatase; minus strand). Cytogenetic location: 16q24.3.
Variant type: single nucleotide variant.
Coding change: c.422+1G>T on transcript NM_000512.5 (MANE Select); the canonical splice donor site of the intron after coding-DNA position 422, G replaced by T.
Molecular consequence: splice donor variant.
Genome position (GRCh38, 1-based): chr16:88,840,991, C>A on the plus strand (G>T on the coding strand, the complement: GALNS is on the minus strand). VCF-style: chr16-88840991-C-A. GRCh37 (hg19) VCF-style: chr16-88907399-C-A.
Other names: c.-134+1G>T (NM_001323543.2); c.440+1G>T (NM_001323544.2).
Identifiers: ClinVar variation 1066135 (VCV001066135.9), dbSNP rs1966940003, ClinGen allele CA397087509.

ClinVar aggregate classification (germline): Likely pathogenic (1 of 4 stars; one submission).

Conditions:
Mucopolysaccharidosis, MPS-IV-A (MPS4A). Also called: Mucopolysaccharidosis type IV A; Mucopolysaccharidosis Type IVA; Morquio syndrome A, mild; MORQUIO SYNDROME A; MPS IVA; mucopolysaccharidosis type 4A. Identifiers: Orphanet 309297, Orphanet 582, MedGen C0086651, MONDO:0009659, OMIM 253000.

Submission:

Labcorp Genetics (formerly Invitae), Labcorp
Classification: Likely pathogenic for Mucopolysaccharidosis, MPS-IV-A. Last evaluated: 2023-10-22. Review status: criteria provided, single submitter. Criteria: Invitae Variant Classification Sherloc (09022015). Collection method: clinical testing. Allele origin: germline.
Comment: This sequence change affects a donor splice site in intron 4 of the GALNS gene. It is expected to disrupt RNA splicing. Variants that disrupt the donor or acceptor splice site typically lead to a loss of protein function (PMID: 16199547), and loss-of-function variants in GALNS are known to be pathogenic (PMID: 12442278). This variant is not present in population databases (gnomAD no frequency). Disruption of this splice site has been observed in individual(s) with mucopolysaccharidosis type IVA (PMID: 9375852). ClinVar contains an entry for this variant (Variation ID: 1066135). Algorithms developed to predict the effect of sequence changes on RNA splicing suggest that this variant may disrupt the consensus splice site. In summary, the currently available evidence indicates that the variant is pathogenic, but additional data are needed to prove that conclusively. Therefore, this variant has been classified as Likely Pathogenic.

Literature cited by the submitters: PubMed 16199547; PubMed 12442278; PubMed 9375852.